The following is an entry in ClinVar:

NM_207346.2(TSEN54):c.-337A>G

Gene: TSEN54 (tRNA splicing endonuclease subunit 54; plus strand). Cytogenetic location: 17q25.1.
Variant type: single nucleotide variant.
Coding change: c.-337A>G on transcript NM_207346.2; 337 bases upstream of the start codon, A replaced by G.
Genome position (GRCh38, 1-based): chr17:75,516,224, A>G. VCF-style: chr17-75516224-A-G. GRCh37 (hg19) VCF-style: chr17-73512305-A-G.
Identifiers: ClinVar variation 667570 (VCV000667570.4), dbSNP rs62088461, ClinGen allele CA14411118.
Genomic context (GRCh38, chr17:75,516,224, plus strand): 5'-CCTTCCCTGAGCCCTTCTGCCCTCCTTGCCCAGCCCGGGCGGTGGGGACTAAGCAGCGCG[A>G]GGCTGCAGAGGGGCGGTCACAAGTGTGACCATTCGCACTGCACTCCAGACGCCGGCTCCT-3'

ClinVar aggregate classification (germline): Benign. Review status: criteria provided, multiple submitters, no conflicts (2 of 4 stars). 2 submissions from 2 submitters: Benign (2). Last evaluated 2018-06-19.

Allele frequency attached by ClinVar (database versions not stated): gnomAD 0.30262 and 0.29408; TOPMed 0.30597; gnomAD exomes 0.16103; 1000 Genomes Project 0.26857; 1000 Genomes Project 30x 0.27748.

Submissions (2):

GeneDx
Classification: Benign. Last evaluated: 2018-06-19. Review status: criteria provided, single submitter. Criteria: GeneDx Variant Classification (06012015). Collection method: clinical testing. Allele origin: germline. Affected: yes.
Comment: This variant is considered likely benign or benign based on one or more of the following criteria: it is a conservative change, it occurs at a poorly conserved position in the protein, it is predicted to be benign by multiple in silico algorithms, and/or has population frequency not consistent with disease.

Breakthrough Genomics
Classification: Benign. Review status: criteria provided, single submitter. Criteria: ACMG Guidelines, 2015. Collection method: not provided. Allele origin: germline. Inheritance: Autosomal recessive inheritance. Affected: yes.